The following is an entry in ClinVar:

NM_001042681.2(RERE):c.4630C>T (p.His1544Tyr)

Gene: RERE (arginine-glutamic acid dipeptide repeats; minus strand). Cytogenetic location: 1p36.23.
Variant type: single nucleotide variant.
Coding change: c.4630C>T on transcript NM_001042681.2 (MANE Select); coding-DNA position 4630, C replaced by T.
Protein change: p.His1544Tyr; replaces histidine 1544 with tyrosine.
Molecular consequence: missense variant.
Genome position (GRCh38, 1-based): chr1:8,355,456, G>A on the plus strand (C>T on the coding strand, the complement: RERE is on the minus strand). VCF-style: chr1-8355456-G-A. GRCh37 (hg19) VCF-style: chr1-8415516-G-A.
Other names: c.2968C>T, p.His990Tyr (NM_001042682.2); c.4630C>T, p.His1544Tyr (NM_012102.4); short protein forms H1544Y, H990Y.
Identifiers: ClinVar variation 4077208 (VCV004077208.1).

ClinVar aggregate classification (germline): Uncertain significance (1 of 4 stars; one submission).

Submission:

GeneDx
Classification: Uncertain significance. Last evaluated: 2025-02-20. Review status: criteria provided, single submitter. Criteria: GeneDx Variant Classification Process June 2021. Collection method: clinical testing. Allele origin: germline. Affected: yes.
Comment: Not observed at significant frequency in large population cohorts (gnomAD); In silico analysis supports that this missense variant has a deleterious effect on protein structure/function; Has not been previously published as pathogenic or benign to our knowledge